The following is an entry in ClinVar:

NM_000404.4(GLB1):c.833del (p.Gly278fs)

Gene: GLB1 (galactosidase beta 1; minus strand). Cytogenetic location: 3p22.3.
Variant type: Deletion.
Coding change: c.833del on transcript NM_000404.4 (MANE Select); coding-DNA position 833, one base deleted (G; older notation c.833delG).
Protein change: p.Gly278fs; shifts the reading frame from glycine 278.
Molecular consequence: frameshift variant.
Genome position (GRCh38, 1-based): chr3:33,051,964, C deleted on the plus strand (G on the coding strand, the reverse complement: GLB1 is on the minus strand); the first of 4 consecutive C bases (chr3:33,051,964-33,051,967); deleting any one gives the same sequence. VCF-style (leftmost placement, unchanged base first): chr3-33051963-GC-G. GRCh37 (hg19) VCF-style: chr3-33093455-GC-G.
Other names: c.743del, p.Gly248fs (NM_001079811.3); c.440del, p.Gly147fs (NM_001135602.3); c.977del, p.Gly326fs (NM_001317040.2); c.833del, p.Gly278fs (NM_001393580.1); short protein forms G147fs, G278fs, G248fs, G326fs.
Identifiers: ClinVar variation 2043978 (VCV002043978.5), dbSNP rs2471375093, ClinGen allele CA2580069277.

ClinVar aggregate classification (germline): Pathogenic. Review status: criteria provided, multiple submitters, no conflicts (2 of 4 stars). 2 submissions from 2 submitters: Pathogenic (2). Last evaluated 2025-12-13.

Conditions:
GM1 gangliosidosis type 3. Also called: GM1-GANGLIOSIDOSIS, TYPE III; GANGLIOSIDOSIS, GENERALIZED GM1, ADULT TYPE; GANGLIOSIDOSIS, GENERALIZED GM1, CHRONIC TYPE; GANGLIOSIDOSIS, GENERALIZED GM1, TYPE III; Gangliosidosis, Generalized GM1, Type 3; Beta-galactosidase deficiency. Identifiers: Orphanet 79257, MedGen C0268273, MONDO:0009262, OMIM 230650.
Infantile GM1 gangliosidosis. Also called: Gangliosidosis, Generalized GM1, Type 1; GM1-gangliosidosis, type I; Gangliosidosis, generalized GM1, infantile form; GLB1 deficiency; GM1 gangliosidosis type 1. Identifiers: Orphanet 354, Orphanet 79255, MedGen C0268271, MONDO:0009260, OMIM 230500.
GM1 gangliosidosis type 2. Also called: GM1-GANGLIOSIDOSIS, TYPE II; GANGLIOSIDOSIS, GENERALIZED GM1, JUVENILE TYPE; GANGLIOSIDOSIS, GENERALIZED GM1, TYPE II; Gangliosidosis, Generalized GM1, Type 2; Juvenile GM>1< gangliosidosis. Identifiers: Orphanet 354, Orphanet 79256, MedGen C0268272, MONDO:0009261, OMIM 230600.
Mucopolysaccharidosis, MPS-IV-B (MPS4B). Also called: MORQUIO SYNDROME B; Mucopolysaccharidosis Type IVB (Morquio B Disease); Mucopolysaccharidosis type IV B; Mucopolysaccharidosis Type IVB; Mucopolysaccharidosis type 4B; Mucopolysaccharidosis type IVB (Morquio). Identifiers: Orphanet 309310, Orphanet 582, MedGen C0086652, MONDO:0009660, OMIM 253010.
GM1 gangliosidosis. Identifiers: Orphanet 354, MedGen C0085131, MONDO:0018149.

Submissions (2):

Labcorp Genetics (formerly Invitae), Labcorp
Classification: Pathogenic for Mucopolysaccharidosis, MPS-IV-B; GM1 gangliosidosis. Last evaluated: 2025-12-13. Review status: criteria provided, single submitter. Criteria: Invitae Variant Classification Sherloc (09022015). Collection method: clinical testing. Allele origin: germline.
Comment: This sequence change creates a premature translational stop signal (p.Gly278Alafs*26) in the GLB1 gene. It is expected to result in an absent or disrupted protein product. Loss-of-function variants in GLB1 are known to be pathogenic (PMID: 18524657). This variant is not present in population databases (gnomAD no frequency). This variant has not been reported in the literature in individuals affected with GLB1-related conditions. ClinVar contains an entry for this variant (Variation ID: 2043978). For these reasons, this variant has been classified as Pathogenic.

Fulgent Genetics
Classification: Pathogenic for Infantile GM1 gangliosidosis; GM1 gangliosidosis type 2; GM1 gangliosidosis type 3; Mucopolysaccharidosis, MPS-IV-B. Last evaluated: 2024-04-20. Review status: criteria provided, single submitter. Criteria: ACMG Guidelines, 2015. Collection method: clinical testing. Allele origin: germline.

Literature cited by the submitters: PubMed 18524657 (cited by Labcorp Genetics (formerly Invitae), Labcorp).